The following is an entry in ClinVar:

ClinVar aggregate classification (germline): Likely benign (1 of 4 stars; one submission).

Conditions:
CFAP47-related disorder. Also called: CFAP47-related condition.

gnomAD v4.1: 142 of 1,153,163 alleles (0.012%); highest among the groups gnomAD compares: Middle Eastern, 0.14%; 1 homozygote.

Submission:

PreventionGenetics, part of Exact Sciences
Classification: Likely benign for CFAP47-related condition. Last evaluated: 2025-07-29. Review status: criteria provided, single submitter. Criteria: ACMG Guidelines, 2015. Collection method: clinical testing. Allele origin: germline.
Comment: This variant is classified as likely benign based on ACMG/AMP sequence variant interpretation guidelines (Richards et al. 2015 PMID: 25741868, with internal and published modifications).

NM_001304548.2(CFAP47):c.9076C>T (p.Pro3026Ser)

Genes: CFAP47 (cilia and flagella associated protein 47; plus strand), LOC101928627 (uncharacterized LOC101928627; minus strand). Cytogenetic location: Xp21.1.
Variant type: single nucleotide variant.
Coding change: c.9076C>T on transcript NM_001304548.2 (MANE Select); coding-DNA position 9076, C replaced by T.
Protein change: p.Pro3026Ser; replaces proline 3026 with serine.
Molecular consequence: missense variant.
Genome position (GRCh38, 1-based): chrX:36,367,018, C>T. VCF-style: chrX-36367018-C-T. GRCh37 (hg19) VCF-style: chrX-36385133-C-T.
Other names: short protein forms P3026S.
Identifiers: ClinVar variation 4978694 (VCV004978694.1).